The following is an entry in ClinVar:

ClinVar aggregate classification (germline): Likely pathogenic. Review status: reviewed by expert panel (3 of 4 stars). 5 submissions from 5 submitters: Likely pathogenic (1). 4 of the submissions do not count toward it. Last evaluated 2025-08-18.

Conditions:
BRCA2-related cancer predisposition. Identifiers: MedGen CN377758, MONDO:0700269.
Hereditary cancer-predisposing syndrome. Also called: Neoplastic Syndromes, Hereditary; Tumor predisposition; Hereditary neoplastic syndrome; Hereditary Cancer Syndrome. Identifiers: Orphanet 140162, MedGen C0027672, MeSH D009386, MONDO:0015356.
Breast-ovarian cancer, familial, susceptibility to, 2 (BROVCA2). Also called: BRCA2 Hereditary Breast and Ovarian Cancer. Identifiers: Orphanet 145, MedGen C2675520, MONDO:0012933, OMIM 612555. Disease mechanism: loss of function.

Allele frequency attached by ClinVar (database versions not stated): gnomAD exomes below 0.00001.
gnomAD v4.1: 1 of 1,612,356 alleles (0.000062%); highest among the groups gnomAD compares: Non-Finnish European, 0.000085%; no homozygotes.

Submissions (5):

ClinGen ENIGMA BRCA1 and BRCA2 Variant Curation Expert Panel, ClinGen
Classification: Likely pathogenic for BRCA2-related cancer predisposition. Last evaluated: 2025-08-18. Review status: reviewed by expert panel. Criteria: CSpec BRCA1/2ACMG Rules Specifications V1.2. Collection method: curation. Allele origin: germline. Inheritance: Autosomal dominant inheritance.
Comment: The c.7805+3A>C variant is an intronic variant occurring in intron 16 of the BRCA2 gene. This variant is reported to result in aberrant mRNA splicing. Mini-gene assays demonstrated that the variant impacts splicing by skipping of exon 16 (75.3%), utilization of cryptic donor sites 100 bp upstream in exon 16 (13.3%), and retention of 20 bp from intron 16 (3.8%) resulting in >90% of transcripts leading to a frameshift and generating a premature stop codon (PMID: 29881398). Appropriate code strength was determined by comparison of results to PVS1 decision tree with PVS1 (RNA) downgraded to PVS1_Strong (RNA). Intronic variant, functional data considered only from assays that measure effect via mRNA and protein. Reported by two calibrated studies incorporating mRNA splicing effects to exhibit protein function similar to pathogenic control variants (PMIDs:39779857, 39779848) (PS3 met). This variant is absent from gnomAD v2.1 (exomes only, non-cancer subset, read depth ≥25) and gnomAD v3.1 (non-cancer subset, read depth ≥25). In summary, this variant meets the criteria to be classified as a Likely pathogenic variant for BRCA2-related cancer predisposition based on the ACMG/AMP criteria applied as specified by the ENIGMA BRCA1/2 VCEP (PVS1_Strong (RNA), PM2_Supporting, PS3).

Ambry Genetics
Classification: Uncertain significance for Hereditary cancer-predisposing syndrome. Last evaluated: 2025-03-28. Review status: criteria provided, single submitter. Criteria: Ambry Variant Classification Scheme 2023. Collection method: clinical testing. Allele origin: germline. Not counted in ClinVar's aggregate classification.
Comment: The c.7805+3A>C intronic variant results from an A to C substitution 3 nucleotides after coding exon 15 in the BRCA2 gene. This alteration was identified in a large, worldwide study of BRCA1/2 mutation positive families (Rebbeck TR et al. Hum. Mutat., 2018 05;39:593-620). Two saturation genome editing-based studies, including a haploid cell-survival assay and a humanized mouse embryonic stem cell line assay of drug response and survival, demonstrate that this nucleotide substitution is non-functional (Huang H et al. Nature. 2025 Feb;638(8050):528-537; Sahu S et al. Nature. 2025 Feb;638(8050):538-545). This nucleotide position is well conserved in available vertebrate species. In silico splice site analysis predicts that this alteration will weaken the native splice donor site. A minigene assay demonstrated that this alteration results in total or partial skipping of coding exon 15 in over 88% of transcripts, however a small amount of normal splicing was retained (Fraile-Bethencourt E et al. Front Genet, 2018 May;9:188). Based on the available evidence, the clinical significance of this variant remains unclear.

Consortium of Investigators of Modifiers of BRCA1/2 (CIMBA), c/o University of Cambridge
Classification: Pathogenic for Breast-ovarian cancer, familial, susceptibility to, 2. Last evaluated: 2015-10-02. Review status: criteria provided, single submitter. Criteria: CIMBA Mutation Classification guidelines May 2016. Collection method: clinical testing. Allele origin: germline. Not counted in ClinVar's aggregate classification.

Research Molecular Genetics Laboratory, Women's College Hospital, University of Toronto
Classification: Uncertain significance. Last evaluated: 2014-01-31. Review status: no assertion criteria provided. Collection method: research. Allele origin: germline. Affected: yes. Study: The Canadian Open Genetics Repository (COGR). Not counted in ClinVar's aggregate classification.

Breast Cancer Information Core (BIC) (BRCA2)
Classification: Uncertain significance for Breast-ovarian cancer, familial 2. Last evaluated: 2003-12-23. Review status: no assertion criteria provided. Collection method: clinical testing. Allele origin: germline. Affected: yes. Observed: 1 variant allele. Not counted in ClinVar's aggregate classification.

Literature cited by the submitters: PubMed 29446198 (cited by Ambry Genetics); PubMed 29881398 (cited by Ambry Genetics).

NM_000059.4(BRCA2):c.7805+3A>C

Gene: BRCA2 (BRCA2 DNA repair associated; plus strand). Cytogenetic location: 13q13.1.
Variant type: single nucleotide variant.
Coding change: c.7805+3A>C on transcript NM_000059.4 (MANE Select); 3 bases into the intron after coding-DNA position 7805, A replaced by C.
Molecular consequence: intron variant.
Genome position (GRCh38, 1-based): chr13:32,357,932, A>C. VCF-style: chr13-32357932-A-C. GRCh37 (hg19) VCF-style: chr13-32932069-A-C.
Other names: IVS16+3A>C.
Identifiers: ClinVar variation 52411 (VCV000052411.8), dbSNP rs81002810, ClinGen allele CA025281.
Genomic context (GRCh38, chr13:32,357,932, plus strand): 5'-ATGGTGGATGGCTCATACCCTCCAATGATGGAAAGGCTGGAAAAGAAGAATTTTATAGGT[A>C]CTCTATGCAAAAAGATTGTGTGTTAACTTTTATGTATTCCCTCATCCCTCTTTCTTCTCT-3'